The following is an entry in ClinVar:

NM_018699.4(PRDM5):c.1072A>G (p.Lys358Glu)

Gene: PRDM5 (PR/SET domain 5; minus strand). Cytogenetic location: 4q27.
Variant type: single nucleotide variant.
Coding change: c.1072A>G on transcript NM_018699.4 (MANE Select); coding-DNA position 1072, A replaced by G.
Protein change: p.Lys358Glu; replaces lysine 358 with glutamic acid.
Molecular consequence: missense variant.
Genome position (GRCh38, 1-based): chr4:120,798,383, T>C on the plus strand (A>G on the coding strand, the complement: PRDM5 is on the minus strand). VCF-style: chr4-120798383-T-C. GRCh37 (hg19) VCF-style: chr4-121719538-T-C.
Other names: c.979A>G, p.Lys327Glu (NM_001300823.2, NM_001300824.2, NM_001379106.1); c.1105A>G, p.Lys369Glu (NM_001379104.1); short protein forms K358E, K369E, K327E.
Identifiers: ClinVar variation 2450361 (VCV002450361.2), dbSNP rs775729249, ClinGen allele CA3061155.

ClinVar aggregate classification (germline): Uncertain significance (1 of 4 stars; one submission).

Conditions:
Cardiovascular phenotype. Identifiers: MedGen CN230736.

Allele frequency attached by ClinVar (database versions not stated): ExAC 0.00001; TOPMed 0.00002; gnomAD 0.00003.
gnomAD v4.1: 5 of 1,612,868 alleles (0.00031%); highest among the groups gnomAD compares: African/African-American, 0.0067%; no homozygotes.

Submission:

Ambry Genetics
Classification: Uncertain significance for Cardiovascular phenotype. Last evaluated: 2022-12-16. Review status: criteria provided, single submitter. Criteria: Ambry Variant Classification Scheme 2023. Collection method: clinical testing. Allele origin: germline.
Comment: The p.K358E variant (also known as c.1072A>G), located in coding exon 10 of the PRDM5 gene, results from an A to G substitution at nucleotide position 1072. The lysine at codon 358 is replaced by glutamic acid, an amino acid with similar properties. This amino acid position is conserved. In addition, the in silico prediction for this alteration is inconclusive. Since supporting evidence is limited at this time, the clinical significance of this alteration remains unclear.